The following is an entry in ClinVar:

ClinVar aggregate classification (germline): Uncertain significance (1 of 4 stars; one submission).

Conditions:
Inborn genetic diseases. Identifiers: MedGen C0950123, MeSH D030342.

gnomAD v4.1: 1 of 1,613,930 alleles (0.000062%); highest among the groups gnomAD compares: African/African-American, 0.0013%; no homozygotes.

Submission:

Ambry Genetics
Classification: Uncertain significance for Inborn genetic diseases. Last evaluated: 2025-08-02. Review status: criteria provided, single submitter. Criteria: Ambry Variant Classification Scheme 2023. Collection method: clinical testing. Allele origin: germline.
Comment: The p.F773S variant (also known as c.2318T>C), located in coding exon 12 of the BMPR2 gene, results from a T to C substitution at nucleotide position 2318. The phenylalanine at codon 773 is replaced by serine, an amino acid with highly dissimilar properties. This amino acid position is conserved. In addition, this alteration is predicted to be deleterious by in silico analysis. Based on the available evidence, the clinical significance of this variant remains unclear.

NM_001204.7(BMPR2):c.2318T>C (p.Phe773Ser)

Gene: BMPR2 (bone morphogenetic protein receptor type 2; plus strand). Cytogenetic location: 2q33.2.
Variant type: single nucleotide variant.
Coding change: c.2318T>C on transcript NM_001204.7 (MANE Select); coding-DNA position 2318, T replaced by C.
Protein change: p.Phe773Ser; replaces phenylalanine 773 with serine.
Molecular consequence: missense variant.
Genome position (GRCh38, 1-based): chr2:202,555,983, T>C. VCF-style: chr2-202555983-T-C. GRCh37 (hg19) VCF-style: chr2-203420706-T-C.
Other names: short protein forms F773S.
Identifiers: ClinVar variation 4214475 (VCV004214475.1).